The following is an entry in ClinVar:

ClinVar aggregate classification (germline): Uncertain significance (1 of 4 stars; one submission).

gnomAD v4.1: 4 of 1,613,884 alleles (0.00025%); highest among the groups gnomAD compares: Admixed American, 0.005%; no homozygotes.

Submission:

Labcorp Genetics (formerly Invitae), Labcorp
Classification: Uncertain significance. Last evaluated: 2024-03-01. Review status: criteria provided, single submitter. Criteria: Invitae Variant Classification Sherloc (09022015). Collection method: clinical testing. Allele origin: germline.
Comment: This sequence change replaces asparagine, which is neutral and polar, with serine, which is neutral and polar, at codon 298 of the MATN3 protein (p.Asn298Ser). This variant is present in population databases (no rsID available, gnomAD 0.1%). This variant has not been reported in the literature in individuals affected with MATN3-related conditions. Advanced modeling of protein sequence and biophysical properties (such as structural, functional, and spatial information, amino acid conservation, physicochemical variation, residue mobility, and thermodynamic stability) performed at Invitae indicates that this missense variant is not expected to disrupt MATN3 protein function with a negative predictive value of 80%. In summary, the available evidence is currently insufficient to determine the role of this variant in disease. Therefore, it has been classified as a Variant of Uncertain Significance.

NM_002381.5(MATN3):c.893A>G (p.Asn298Ser)

Genes: MATN3 (matrilin 3; minus strand), WDR35-DT (WDR35 divergent transcript; plus strand). Cytogenetic location: 2p24.1.
Variant type: single nucleotide variant.
Coding change: c.893A>G on transcript NM_002381.5 (MANE Select); coding-DNA position 893, A replaced by G.
Protein change: p.Asn298Ser; replaces asparagine 298 with serine.
Molecular consequence: missense variant.
Genome position (GRCh38, 1-based): chr2:20,003,184, T>C on the plus strand (A>G on the coding strand, the complement: MATN3 is on the minus strand). VCF-style: chr2-20003184-T-C. GRCh37 (hg19) VCF-style: chr2-20202945-T-C.
Other names: short protein forms N298S.
Identifiers: ClinVar variation 3610211 (VCV003610211.2).